The following is an entry in ClinVar:

ClinVar aggregate classification (germline): Pathogenic. Review status: criteria provided, single submitter (1 of 4 stars). 2 submissions from 2 submitters: Pathogenic (1). 1 of the submissions does not count toward it. Last evaluated 2021-07-06.

Conditions:
GATA2 deficiency with susceptibility to MDS/AML. Identifiers: MedGen CN300066, MONDO:0042982.
Deafness-lymphedema-leukemia syndrome. Also called: Lymphedema, primary, with myelodysplasia; Emberger syndrome. Identifiers: Orphanet 3226, MedGen C3279664, MONDO:0013540, OMIM 614038.
Monocytopenia with susceptibility to infections. Also called: IMMUNODEFICIENCY 21; Dendritic cell, monocyte, B lymphocyte, and natural killer lymphocyte deficiency; GATA2 DEFICIENCY; MONOCYTOPENIA AND MYCOBACTERIAL INFECTION SYNDROME; MONOCYTOPENIA WITH SUSCEPTIBILITY TO MYCOBACTERIAL, FUNGAL, AND PAPILLOMAVIRUS INFECTIONS AND MYELODYSPLASIA; COMBINED IMMUNODEFICIENCY WITH SUSCEPTIBILITY TO MYCOBACTERIAL, VIRAL, AND FUNGAL INFECTIONS. Identifiers: Orphanet 228423, MedGen C3280030, MONDO:0013607, OMIM 614172.

Submissions (2):

Molecular Pathology Research Laboratory, SA Pathology
Classification: Pathogenic for GATA2 deficiency with susceptibility to MDS/AML; Deafness-lymphedema-leukemia syndrome. Last evaluated: 2021-07-06. Review status: criteria provided, single submitter. Criteria: ACMG Guidelines, 2015. Collection method: curation. Allele origin: germline. Inheritance: Autosomal dominant inheritance. Affected: yes. Observed: 3 variant alleles. Clinical features observed: Myelodysplasia, Acute Myeloid Leukemia, Immunodeficiency, Lymphedema, Hematological abnormality.
Comment: PVS1, PS4_Moderate, PM2

OMIM
Classification: Pathogenic for IMMUNODEFICIENCY 21. Last evaluated: 2011-09-08. Review status: no assertion criteria provided. Collection method: literature only. Allele origin: germline. Not counted in ClinVar's aggregate classification.

Literature cited by the submitters: PubMed 24227816 (cited by Molecular Pathology Research Laboratory, SA Pathology); PubMed 25359990 (cited by Molecular Pathology Research Laboratory, SA Pathology); PubMed 20040766 (cited by Molecular Pathology Research Laboratory, SA Pathology and OMIM); PubMed 21670465 (cited by Molecular Pathology Research Laboratory, SA Pathology and OMIM); PubMed 22147895 (cited by Molecular Pathology Research Laboratory, SA Pathology); PubMed 24077845 (cited by Molecular Pathology Research Laboratory, SA Pathology); PubMed 23502222 (cited by Molecular Pathology Research Laboratory, SA Pathology); PubMed 22996659 (cited by Molecular Pathology Research Laboratory, SA Pathology).

NM_001145661.1(GATA2):c.-200_871+527del2032

Genes: GATA2 (GATA binding protein 2; minus strand), LOC117038771 (CRISPRi-FlowFISH-validated H1-10 regulatory element 2; plus strand). Cytogenetic location: 3q21.
Variant type: Deletion.
Coding change: c.-200_871+527del2032 on transcript NM_001145661.1; 200 bases upstream of the start codon through 527 bases into the intron after coding-DNA position 871, 2,032 bases deleted.
Molecular consequence: splice acceptor variant, splice donor variant, initiator codon variant (on NM_032638.5).
Genome position (GRCh38, 1-based): chr3:128,485,200-128,487,231, 2,032 bases deleted. GRCh37 (hg19): chr3:128,204,043-128,206,074.
Other names: 2-KB DEL, EX3-4DEL; c.-200_871+527del (LRG_295t1); c.-45-155_871+527del (NM_001145662.1, NM_032638.5, NM_001145661.2).
Identifiers: ClinVar variation 29712 (VCV000029712.3), ClinGen allele CA358451.